The following is an entry in ClinVar:

NM_000414.4(HSD17B4):c.482A>C (p.Gln161Pro)

Gene: HSD17B4 (hydroxysteroid 17-beta dehydrogenase 4; plus strand). Cytogenetic location: 5q23.1.
Variant type: single nucleotide variant.
Coding change: c.482A>C on transcript NM_000414.4 (MANE Select); coding-DNA position 482, A replaced by C.
Protein change: p.Gln161Pro; replaces glutamine 161 with proline.
Molecular consequence: missense variant. On other transcripts: non-coding transcript variant (2).
Genome position (GRCh38, 1-based): chr5:119,478,881, A>C. VCF-style: chr5-119478881-A-C. GRCh37 (hg19) VCF-style: chr5-118814576-A-C.
Other names: c.557A>C, p.Gln186Pro (NM_001199291.3); c.428A>C, p.Gln143Pro (NM_001199292.2); c.410A>C, p.Gln137Pro (NM_001292027.2); c.62A>C, p.Gln21Pro (NM_001292028.2); c.473A>C, p.Gln158Pro (NM_001374497.1); c.482A>C, p.Gln161Pro (NM_001374498.1); c.155A>C, p.Gln52Pro (NM_001374499.1); c.41A>C, p.Gln14Pro (NM_001374500.1); and 1 more; short protein forms Q186P, Q24P, Q52P, Q137P, Q14P, Q158P, Q161P, Q143P.
Identifiers: ClinVar variation 907603 (VCV000907603.5), dbSNP rs771009588, ClinGen allele CA3381867.
Genomic context (GRCh38, chr5:119,478,881, plus strand): 5'-ATTTTCTTTTTAGGATTATTATGACTTCATCAGCTTCAGGAATATATGGCAACTTTGGCC[A>C]GGCCAATTATAGTGCTGCAAAGTTGGGTCTTCTGGGCCTTGCAAATTCTCTTGCAATTGA-3'
Protein context (NP_000405.1, residues 151-171): SASGIYGNFG[Gln161Pro]ANYSAAKLGL

ClinVar aggregate classification (germline): Uncertain significance. Review status: criteria provided, multiple submitters, no conflicts (2 of 4 stars). 3 submissions from 2 submitters: Uncertain significance (3). Last evaluated 2019-12-24.

Conditions:
Bifunctional peroxisomal enzyme deficiency (DBIF). Also called: DBP DEFICIENCY; PBFE DEFICIENCY; D-bifunctional protein deficiency. Identifiers: Orphanet 300, MedGen C0342870, MONDO:0009855, OMIM 261515. Disease mechanism: loss of function.
Perrault syndrome 1 (PRLTS1). Also called: GONADAL DYSGENESIS, XX TYPE, WITH DEAFNESS; OVARIAN DYSGENESIS WITH SENSORINEURAL DEAFNESS. Identifiers: Orphanet 2855, Orphanet 642945, MedGen C4551721, MONDO:0009300, OMIM 233400.

Allele frequency attached by ClinVar (database versions not stated): TOPMed 0.00001; gnomAD exomes 0.00002 and 0.00003; ExAC 0.00006.
gnomAD v4.1: 12 of 1,613,678 alleles (0.00074%); highest among the groups gnomAD compares: Non-Finnish European, 0.00093%; no homozygotes.

Submissions (3):

GeneDx
Classification: Uncertain significance. Last evaluated: 2019-12-24. Review status: criteria provided, single submitter. Criteria: GeneDx Variant Classification Process June 2021. Collection method: clinical testing. Allele origin: germline. Affected: yes.
Comment: Not observed at a significant frequency in large population cohorts (Lek et al., 2016); In silico analysis, which includes protein predictors and evolutionary conservation, supports a deleterious effect; Has not been previously published as pathogenic or benign to our knowledge

Illumina Laboratory Services, Illumina
Classification: Uncertain significance for Bifunctional peroxisomal enzyme deficiency. Last evaluated: 2018-01-13. Review status: criteria provided, single submitter. Criteria: ICSL Variant Classification Criteria 13 December 2019. Collection method: clinical testing. Allele origin: germline.

Illumina Laboratory Services, Illumina
Classification: Uncertain significance for Perrault syndrome 1. Last evaluated: 2018-01-13. Review status: criteria provided, single submitter. Criteria: ICSL Variant Classification Criteria 13 December 2019. Collection method: clinical testing. Allele origin: germline.